The following is an entry in ClinVar:

NM_006648.4(WNK2):c.5124G>A (p.Met1708Ile)

Gene: WNK2 (WNK lysine deficient protein kinase 2; plus strand). Cytogenetic location: 9q22.31.
Variant type: single nucleotide variant.
Coding change: c.5124G>A on transcript NM_006648.4 (MANE Select); coding-DNA position 5124, G replaced by A.
Protein change: p.Met1708Ile; replaces methionine 1708 with isoleucine.
Molecular consequence: missense variant.
Genome position (GRCh38, 1-based): chr9:93,292,589, G>A. VCF-style: chr9-93292589-G-A. GRCh37 (hg19) VCF-style: chr9-96054871-G-A.
Other names: c.5235G>A, p.Met1745Ile (NM_001282394.3); short protein forms M1708I, M1745I.
Identifiers: ClinVar variation 3816515 (VCV003816515.1).

ClinVar aggregate classification (germline): Uncertain significance (1 of 4 stars; one submission).

Submission:

Ambry Genetics
Classification: Uncertain significance. Last evaluated: 2024-12-16. Review status: criteria provided, single submitter. Criteria: Ambry Variant Classification Scheme 2023. Collection method: clinical testing. Allele origin: germline.
Comment: The p.M1708I variant (also known as c.5124G>A), located in coding exon 22 of the WNK2 gene, results from a G to A substitution at nucleotide position 5124. The methionine at codon 1708 is replaced by isoleucine, an amino acid with highly similar properties. This amino acid position is conserved. In addition, this alteration is predicted to be tolerated by in silico analysis. Based on the available evidence, the clinical significance of this variant remains unclear.